The following is an entry in ClinVar:

ClinVar aggregate classification (germline): Uncertain significance. Review status: criteria provided, multiple submitters, no conflicts (2 of 4 stars). 2 submissions from 2 submitters: Uncertain significance (2). Last evaluated 2024-09-25.

Conditions:
Hereditary cancer-predisposing syndrome. Also called: Tumor predisposition; Hereditary neoplastic syndrome; Hereditary Cancer Syndrome; Neoplastic Syndromes, Hereditary. Identifiers: Orphanet 140162, MedGen C0027672, MeSH D009386, MONDO:0015356.
Haddad syndrome (OHD). Also called: Ondine-Hirschsprung disease. Identifiers: Orphanet 99803, MedGen C1859049, MONDO:0020493.

Allele frequency attached by ClinVar (database versions not stated): TOPMed below 0.00001.

Submissions (2):

Ambry Genetics
Classification: Uncertain significance for Hereditary cancer-predisposing syndrome. Last evaluated: 2024-09-25. Review status: criteria provided, single submitter. Criteria: Ambry Variant Classification Scheme 2023. Collection method: clinical testing. Allele origin: germline.
Comment: The p.M313V variant (also known as c.937A>G), located in coding exon 3 of the PHOX2B gene, results from an A to G substitution at nucleotide position 937. The methionine at codon 313 is replaced by valine, an amino acid with highly similar properties. This amino acid position is highly conserved in available vertebrate species. In addition, the in silico prediction for this alteration is inconclusive. Based on the available evidence, the clinical significance of this variant remains unclear.

Labcorp Genetics (formerly Invitae), Labcorp
Classification: Uncertain significance for Haddad syndrome. Last evaluated: 2022-11-10. Review status: criteria provided, single submitter. Criteria: Invitae Variant Classification Sherloc (09022015). Collection method: clinical testing. Allele origin: germline.
Comment: This sequence change replaces methionine, which is neutral and non-polar, with valine, which is neutral and non-polar, at codon 313 of the PHOX2B protein (p.Met313Val). This variant is not present in population databases (gnomAD no frequency). Algorithms developed to predict the effect of missense changes on protein structure and function are either unavailable or do not agree on the potential impact of this missense change (SIFT: "Deleterious"; PolyPhen-2: "Not Available"; Align-GVGD: "Class C0"). ClinVar contains an entry for this variant (Variation ID: 575827). This variant has not been reported in the literature in individuals affected with PHOX2B-related conditions. In summary, the available evidence is currently insufficient to determine the role of this variant in disease. Therefore, it has been classified as a Variant of Uncertain Significance.

NM_003924.4(PHOX2B):c.937A>G (p.Met313Val)

Gene: PHOX2B (paired like homeobox 2B; minus strand). Cytogenetic location: 4p13.
Variant type: single nucleotide variant.
Coding change: c.937A>G on transcript NM_003924.4 (MANE Select); coding-DNA position 937, A replaced by G.
Protein change: p.Met313Val; replaces methionine 313 with valine.
Molecular consequence: missense variant.
Genome position (GRCh38, 1-based): chr4:41,745,815, T>C on the plus strand (A>G on the coding strand, the complement: PHOX2B is on the minus strand). VCF-style: chr4-41745815-T-C. GRCh37 (hg19) VCF-style: chr4-41747832-T-C.
Other names: short protein forms M313V.
Identifiers: ClinVar variation 575827 (VCV000575827.11), dbSNP rs1560465426, ClinGen allele CA356736637.
Genomic context (GRCh38, chr4:41,745,815, plus strand): 5'-GGCCCTGGCTCGCCCGCTGTCGCCGCCGCCGCCGCCGCCGCAGGATTCCAGATCAGAACA[T>C]ACTGCTCTTCACTAAGGCGGCTTTGGCACCGTTGGGTCTTTGGAGCGAAGATAGGACGCT-3'
Protein context (NP_003915.2, residues 303-314): GAKAALVKSS[Met313Val]F